The following is an entry in ClinVar:

NM_001127464.1:c.4171G>A

Gene: ZNF469 (zinc finger protein 469; plus strand).
Variant type: single nucleotide variant.
Identifiers: ClinVar variation 4209172 (VCV004209172.1).

ClinVar aggregate classification (germline): Uncertain significance (1 of 4 stars; one submission).

Conditions:
Cardiovascular phenotype. Identifiers: MedGen CN230736.

Submission:

Ambry Genetics
Classification: Uncertain significance for Cardiovascular phenotype. Last evaluated: 2025-07-21. Review status: criteria provided, single submitter. Criteria: Ambry Variant Classification Scheme 2023. Collection method: clinical testing. Allele origin: germline.
Comment: The p.G1391S variant (also known as c.4171G>A), located in coding exon 2 of the ZNF469 gene, results from a G to A substitution at nucleotide position 4171. The glycine at codon 1391 is replaced by serine, an amino acid with similar properties. This amino acid position is conserved. In addition, this alteration is predicted to be tolerated by in silico analysis. Based on the available evidence, the clinical significance of this variant remains unclear.